The following is an entry in ClinVar:

ClinVar aggregate classification (germline): Uncertain significance (1 of 4 stars; one submission).

Conditions:
Familial cold autoinflammatory syndrome 2 (FCAS2). Identifiers: Orphanet 247868, MedGen C2673198, MONDO:0012724, OMIM 611762.

Allele frequency attached by ClinVar (database versions not stated): TOPMed below 0.00001; ExAC 0.00001; gnomAD 0.00001.
gnomAD v4.1: 13 of 1,614,094 alleles (0.00081%); highest among the groups gnomAD compares: Admixed American, 0.017%; no homozygotes.

Submission:

Labcorp Genetics (formerly Invitae), Labcorp
Classification: Uncertain significance for Familial cold autoinflammatory syndrome 2. Last evaluated: 2024-11-02. Review status: criteria provided, single submitter. Criteria: Invitae Variant Classification Sherloc (09022015). Collection method: clinical testing. Allele origin: germline.
Comment: This sequence change replaces cysteine, which is neutral and slightly polar, with serine, which is neutral and polar, at codon 930 of the NLRP12 protein (p.Cys930Ser). This variant is present in population databases (rs769829992, gnomAD 0.03%). This variant has not been reported in the literature in individuals affected with NLRP12-related conditions. ClinVar contains an entry for this variant (Variation ID: 838274). An algorithm developed to predict the effect of missense changes on protein structure and function (PolyPhen-2) suggests that this variant is likely to be tolerated. Algorithms developed to predict the effect of sequence changes on RNA splicing suggest that this variant may create or strengthen a splice site. In summary, the available evidence is currently insufficient to determine the role of this variant in disease. Therefore, it has been classified as a Variant of Uncertain Significance.

NM_144687.4(NLRP12):c.2789G>C (p.Cys930Ser)

Gene: NLRP12 (NLR family pyrin domain containing 12; minus strand). Cytogenetic location: 19q13.42.
Variant type: single nucleotide variant.
Coding change: c.2789G>C on transcript NM_144687.4 (MANE Select); coding-DNA position 2789, G replaced by C.
Protein change: p.Cys930Ser; replaces cysteine 930 with serine.
Molecular consequence: missense variant. On other transcripts: intron variant (1).
Genome position (GRCh38, 1-based): chr19:53,798,381, C>G on the plus strand (G>C on the coding strand, the complement: NLRP12 is on the minus strand). VCF-style: chr19-53798381-C-G. GRCh37 (hg19) VCF-style: chr19-54301635-C-G.
Other names: c.2792G>C, p.Cys931Ser (NM_001277126.2); c.2757-2352G>C (NM_001277129.1); short protein forms C931S, C930S.
Identifiers: ClinVar variation 838274 (VCV000838274.7), dbSNP rs769829992, ClinGen allele CA9638898.